The following is an entry in ClinVar:

NM_172364.5(CACNA2D4):c.2331G>T (p.Lys777Asn)

Gene: CACNA2D4 (calcium voltage-gated channel auxiliary subunit alpha2delta 4; minus strand). Cytogenetic location: 12p13.33.
Variant type: single nucleotide variant.
Coding change: c.2331G>T on transcript NM_172364.5 (MANE Select); coding-DNA position 2331, G replaced by T.
Protein change: p.Lys777Asn; replaces lysine 777 with asparagine.
Molecular consequence: missense variant.
Genome position (GRCh38, 1-based): chr12:1,846,605, C>A on the plus strand (G>T on the coding strand, the complement: CACNA2D4 is on the minus strand). VCF-style: chr12-1846605-C-A. GRCh37 (hg19) VCF-style: chr12-1955771-C-A.
Other names: short protein forms K777N.
Identifiers: ClinVar variation 1433118 (VCV001433118.6), dbSNP rs1252122745, ClinGen allele CA383359254.
Genomic context (GRCh38, chr12:1,846,605, plus strand): 5'-CTCTCTGCCCTGCAGGGATTGCCCTCCCGAGGTGGCCGGCCCAACCCACCTGTCGGAGAC[C>A]TTCTCGGAGCCCACGAACAAGCTGCTTCTCAGGAGGCCAGCCCGGGTGCCCAGGAAGGCC-3'
Protein context (NP_758952.4, residues 767-787): LRSSLFVGSE[Lys777Asn]VSDRKFLTPE

ClinVar aggregate classification (germline): Uncertain significance (1 of 4 stars; one submission).

Allele frequency attached by ClinVar (database versions not stated): TOPMed below 0.00001.

Submission:

Labcorp Genetics (formerly Invitae), Labcorp
Classification: Uncertain significance. Last evaluated: 2022-02-24. Review status: criteria provided, single submitter. Criteria: Invitae Variant Classification Sherloc (09022015). Collection method: clinical testing. Allele origin: germline.
Comment: In summary, the available evidence is currently insufficient to determine the role of this variant in disease. Therefore, it has been classified as a Variant of Uncertain Significance. Algorithms developed to predict the effect of missense changes on protein structure and function are either unavailable or do not agree on the potential impact of this missense change (SIFT: "Deleterious"; PolyPhen-2: "Benign"; Align-GVGD: "Class C0"). This variant has not been reported in the literature in individuals affected with CACNA2D4-related conditions. This variant is not present in population databases (gnomAD no frequency). This sequence change replaces lysine, which is basic and polar, with asparagine, which is neutral and polar, at codon 777 of the CACNA2D4 protein (p.Lys777Asn).